The following is an entry in ClinVar:

ClinVar aggregate classification (germline): Uncertain significance (1 of 4 stars; one submission).

gnomAD v4.1: 1 of 1,614,144 alleles (0.000062%); highest among the groups gnomAD compares: Non-Finnish European, 0.000085%; no homozygotes.

Submission:

Labcorp Genetics (formerly Invitae), Labcorp
Classification: Uncertain significance. Last evaluated: 2024-10-24. Review status: criteria provided, single submitter. Criteria: Invitae Variant Classification Sherloc (09022015). Collection method: clinical testing. Allele origin: germline.
Comment: This sequence change replaces valine, which is neutral and non-polar, with glycine, which is neutral and non-polar, at codon 2987 of the KMT2C protein (p.Val2987Gly). This variant is not present in population databases (gnomAD no frequency). This variant has not been reported in the literature in individuals affected with KMT2C-related conditions. Invitae Evidence Modeling of protein sequence and biophysical properties (such as structural, functional, and spatial information, amino acid conservation, physicochemical variation, residue mobility, and thermodynamic stability) indicates that this missense variant is not expected to disrupt KMT2C protein function with a negative predictive value of 80%. In summary, the available evidence is currently insufficient to determine the role of this variant in disease. Therefore, it has been classified as a Variant of Uncertain Significance.

NM_170606.3(KMT2C):c.8960T>G (p.Val2987Gly)

Gene: KMT2C (lysine methyltransferase 2C; minus strand). Cytogenetic location: 7q36.1.
Variant type: single nucleotide variant.
Coding change: c.8960T>G on transcript NM_170606.3 (MANE Select); coding-DNA position 8960, T replaced by G.
Protein change: p.Val2987Gly; replaces valine 2987 with glycine.
Molecular consequence: missense variant.
Genome position (GRCh38, 1-based): chr7:152,176,493, A>C on the plus strand (T>G on the coding strand, the complement: KMT2C is on the minus strand). VCF-style: chr7-152176493-A-C. GRCh37 (hg19) VCF-style: chr7-151873578-A-C.
Other names: short protein forms V2987G.
Identifiers: ClinVar variation 2883641 (VCV002883641.3), dbSNP rs2129113142, ClinGen allele CA370076635.
Genomic context (GRCh38, chr7:152,176,493, plus strand): 5'-CCTGTCCCCAGACTGTGGTTAACTGTTGATTGACCTGGAATGAGCCCTGGGTTTACCTGC[A>C]CACCCTGAGAAAAAACATGGTTTACCCTAGAGACTACTGTCACATTAGAATTCATGGCAT-3'
Protein context (NP_733751.2, residues 2977-2997): SRVNHVFSQG[Val2987Gly]QVNPGLIPGQ